The following is an entry in ClinVar:

NM_000260.4(MYO7A):c.3837G>A (p.Thr1279=)

Gene: MYO7A (myosin VIIA; plus strand). Cytogenetic location: 11q13.5.
Variant type: single nucleotide variant.
Coding change: c.3837G>A on transcript NM_000260.4 (MANE Select); coding-DNA position 3837, G replaced by A.
Protein change: p.Thr1279=; no amino-acid change (threonine 1279 retained).
Molecular consequence: synonymous variant.
Genome position (GRCh38, 1-based): chr11:77,190,783, G>A. VCF-style: chr11-77190783-G-A. GRCh37 (hg19) VCF-style: chr11-76901828-G-A.
Other names: p.Thr1279=; c.3837G>A, p.Thr1279= (NM_001127180.2); c.3804G>A, p.Thr1268= (NM_001369365.1); c.3837G>A (NM_000260.3).
Identifiers: ClinVar variation 1115543 (VCV001115543.12), dbSNP rs370335524, ClinGen allele CA6198213.

ClinVar aggregate classification (germline): Likely benign. Review status: criteria provided, multiple submitters, no conflicts (2 of 4 stars). 4 submissions from 4 submitters: Likely benign (4). Last evaluated 2025-04-17.

Conditions:
MYO7A-related disorder. Also called: MYO7A-related disorders.

Allele frequency attached by ClinVar (database versions not stated): gnomAD exomes 0.00003 and 0.00004; gnomAD 0.00004; TOPMed 0.00005; ExAC 0.00006; ESP Exome Variant Server 0.00008; 1000 Genomes Project 30x 0.00016; 1000 Genomes Project 0.00020.
gnomAD v4.1: 49 of 1,596,286 alleles (0.0031%); highest among the groups gnomAD compares: South Asian, 0.013%; no homozygotes.

Submissions (4):

Labcorp Genetics (formerly Invitae), Labcorp
Classification: Likely benign. Last evaluated: 2025-04-17. Review status: criteria provided, single submitter. Criteria: Invitae Variant Classification Sherloc (09022015). Collection method: clinical testing. Allele origin: germline.

PreventionGenetics, part of Exact Sciences
Classification: Likely benign for MYO7A-related condition. Last evaluated: 2025-03-11. Review status: criteria provided, single submitter. Criteria: ACMG Guidelines, 2015. Collection method: clinical testing. Allele origin: germline.
Comment: This variant is classified as likely benign based on ACMG/AMP sequence variant interpretation guidelines (Richards et al. 2015 PMID: 25741868, with internal and published modifications).

Mayo Clinic Laboratories, Mayo Clinic
Classification: Likely benign. Last evaluated: 2025-02-05. Review status: criteria provided, single submitter. Criteria: ACMG Guidelines, 2015. Collection method: clinical testing. Allele origin: germline. Observed: 1 variant allele.
Comment: BP4, BP7

Blueprint Genetics
Classification: Likely benign. Last evaluated: 2024-04-16. Review status: criteria provided, single submitter. Criteria: ACMG Guidelines, 2015. Collection method: clinical testing. Allele origin: germline.